The following is an entry in ClinVar:

ClinVar aggregate classification (germline): Uncertain significance. Review status: criteria provided, multiple submitters, no conflicts (2 of 4 stars). 2 submissions from 2 submitters: Uncertain significance (2). Last evaluated 2024-11-11.

Conditions:
Ehlers-Danlos syndrome, classic type, 1 (EDSCL1). Also called: EHLERS-DANLOS SYNDROME, GRAVIS TYPE; EHLERS-DANLOS SYNDROME, SEVERE CLASSIC TYPE; Ehlers-Danlos syndrome, type 1; Ehlers-Danlos Syndrome, Classic Type, COL5A1-Related; EDS I. Identifiers: MedGen C0268335, MONDO:0019567, OMIM 130000.

gnomAD v4.1: 12 of 1,613,980 alleles (0.00074%); highest among the groups gnomAD compares: South Asian, 0.0011%; no homozygotes.

Submissions (2):

Labcorp Genetics (formerly Invitae), Labcorp
Classification: Uncertain significance for Ehlers-Danlos syndrome, classic type, 1. Last evaluated: 2024-11-11. Review status: criteria provided, single submitter. Criteria: Invitae Variant Classification Sherloc (09022015). Collection method: clinical testing. Allele origin: germline.
Comment: This sequence change replaces arginine, which is basic and polar, with leucine, which is neutral and non-polar, at codon 1056 of the COL5A1 protein (p.Arg1056Leu). This variant is not present in population databases (gnomAD no frequency). This variant has not been reported in the literature in individuals affected with COL5A1-related conditions. ClinVar contains an entry for this variant (Variation ID: 2683088). Invitae Evidence Modeling of protein sequence and biophysical properties (such as structural, functional, and spatial information, amino acid conservation, physicochemical variation, residue mobility, and thermodynamic stability) has been performed for this missense variant. However, the output from this modeling did not meet the statistical confidence thresholds required to predict the impact of this variant on COL5A1 protein function. In summary, the available evidence is currently insufficient to determine the role of this variant in disease. Therefore, it has been classified as a Variant of Uncertain Significance.

Mayo Clinic Laboratories, Mayo Clinic
Classification: Uncertain significance. Last evaluated: 2022-09-15. Review status: criteria provided, single submitter. Criteria: ACMG Guidelines, 2015. Collection method: clinical testing. Allele origin: germline. Observed: 1 variant allele.
Comment: PP3, PM2_supporting

NM_000093.5(COL5A1):c.3167G>T (p.Arg1056Leu)

Gene: COL5A1 (collagen type V alpha 1 chain; plus strand). Cytogenetic location: 9q34.3.
Variant type: single nucleotide variant.
Coding change: c.3167G>T on transcript NM_000093.5 (MANE Select); coding-DNA position 3167, G replaced by T.
Protein change: p.Arg1056Leu; replaces arginine 1056 with leucine.
Molecular consequence: missense variant.
Genome position (GRCh38, 1-based): chr9:134,805,027, G>T. VCF-style: chr9-134805027-G-T. GRCh37 (hg19) VCF-style: chr9-137696873-G-T.
Other names: p.Arg1056Leu; c.3167G>T, p.Arg1056Leu (NM_001278074.1); short protein forms R1056L.
Identifiers: ClinVar variation 2683088 (VCV002683088.3), dbSNP rs778769810, ClinGen allele CA375450481.